The following is an entry in ClinVar:

ClinVar aggregate classification (germline): Uncertain significance (1 of 4 stars; one submission).

Submission:

Labcorp Genetics (formerly Invitae), Labcorp
Classification: Uncertain significance. Last evaluated: 2025-05-27. Review status: criteria provided, single submitter. Criteria: Invitae Variant Classification Sherloc (09022015). Collection method: clinical testing. Allele origin: germline.
Comment: This sequence change replaces glutamine, which is neutral and polar, with histidine, which is basic and polar, at codon 3307 of the KMT2A protein (p.Gln3307His). This variant is not present in population databases (gnomAD no frequency). This variant has not been reported in the literature in individuals affected with KMT2A-related conditions. Invitae Evidence Modeling of protein sequence and biophysical properties (such as structural, functional, and spatial information, amino acid conservation, physicochemical variation, residue mobility, and thermodynamic stability) indicates that this missense variant is not expected to disrupt KMT2A protein function with a negative predictive value of 95%. In summary, the available evidence is currently insufficient to determine the role of this variant in disease. Therefore, it has been classified as a Variant of Uncertain Significance.

NM_001197104.2(KMT2A):c.9921G>C (p.Gln3307His)

Gene: KMT2A (lysine methyltransferase 2A; plus strand). Cytogenetic location: 11q23.3.
Variant type: single nucleotide variant.
Coding change: c.9921G>C on transcript NM_001197104.2 (MANE Select); coding-DNA position 9921, G replaced by C.
Protein change: p.Gln3307His; replaces glutamine 3307 with histidine.
Molecular consequence: missense variant.
Genome position (GRCh38, 1-based): chr11:118,505,813, G>C. VCF-style: chr11-118505813-G-C. GRCh37 (hg19) VCF-style: chr11-118376528-G-C.
Other names: c.10011G>C, p.Gln3337His (NM_001412597.1); c.9912G>C, p.Gln3304His (NM_005933.4); short protein forms Q3304H, Q3307H, Q3337H.
Identifiers: ClinVar variation 4810853 (VCV004810853.1).